The following is an entry in ClinVar:

NM_006306.4(SMC1A):c.2918A>G (p.Tyr973Cys)

Gene: SMC1A (structural maintenance of chromosomes 1A; minus strand). Cytogenetic location: Xp11.22.
Variant type: single nucleotide variant.
Coding change: c.2918A>G on transcript NM_006306.4 (MANE Select); coding-DNA position 2918, A replaced by G.
Protein change: p.Tyr973Cys; replaces tyrosine 973 with cysteine.
Molecular consequence: missense variant.
Genome position (GRCh38, 1-based): chrX:53,394,833, T>C on the plus strand (A>G on the coding strand, the complement: SMC1A is on the minus strand). VCF-style: chrX-53394833-T-C. GRCh37 (hg19) VCF-style: chrX-53421753-T-C.
Other names: c.2852A>G, p.Tyr951Cys (NM_001281463.1); short protein forms Y951C, Y973C.
Identifiers: ClinVar variation 2157149 (VCV002157149.4), dbSNP rs781980688, ClinGen allele CA10420372.

ClinVar aggregate classification (germline): Uncertain significance (1 of 4 stars; one submission).

Conditions:
Congenital muscular hypertrophy-cerebral syndrome (CDLS2). Also called: Cornelia de Lange syndrome 2; SMC1A-Related Cornelia de Lange Syndrome. Identifiers: Orphanet 199, MedGen C1802395, MONDO:0010370, OMIM 300590.

Allele frequency attached by ClinVar (database versions not stated): ExAC 0.00002; gnomAD 0.00003; gnomAD exomes 0.00004.
gnomAD v4.1: 46 of 1,158,788 alleles (0.004%); highest among the groups gnomAD compares: Non-Finnish European, 0.0052%; no homozygotes.

Submission:

Labcorp Genetics (formerly Invitae), Labcorp
Classification: Uncertain significance for Congenital muscular hypertrophy-cerebral syndrome. Last evaluated: 2024-11-07. Review status: criteria provided, single submitter. Criteria: Invitae Variant Classification Sherloc (09022015). Collection method: clinical testing. Allele origin: germline.
Comment: This sequence change replaces tyrosine, which is neutral and polar, with cysteine, which is neutral and slightly polar, at codon 973 of the SMC1A protein (p.Tyr973Cys). This variant is present in population databases (rs781980688, gnomAD 0.002%). This variant has not been reported in the literature in individuals affected with SMC1A-related conditions. ClinVar contains an entry for this variant (Variation ID: 2157149). Invitae Evidence Modeling of protein sequence and biophysical properties (such as structural, functional, and spatial information, amino acid conservation, physicochemical variation, residue mobility, and thermodynamic stability) indicates that this missense variant is expected to disrupt SMC1A protein function with a positive predictive value of 95%. In summary, the available evidence is currently insufficient to determine the role of this variant in disease. Therefore, it has been classified as a Variant of Uncertain Significance.